The following is an entry in ClinVar:

ClinVar aggregate classification (germline): Uncertain significance. Review status: criteria provided, multiple submitters, no conflicts (2 of 4 stars). 2 submissions from 2 submitters: Uncertain significance (2). Last evaluated 2025-11-25.

Conditions:
Inborn genetic diseases. Identifiers: MedGen C0950123, MeSH D030342.

Submissions (2):

Ambry Genetics
Classification: Uncertain significance for Inborn genetic diseases. Last evaluated: 2025-11-25. Review status: criteria provided, single submitter. Criteria: Ambry Variant Classification Scheme 2023. Collection method: clinical testing. Allele origin: germline.
Comment: The p.S426F variant (also known as c.1277C>T), located in coding exon 12 of the ANKRD26 gene, results from a C to T substitution at nucleotide position 1277. The serine at codon 426 is replaced by phenylalanine, an amino acid with highly dissimilar properties. This amino acid position is conserved. In addition, this alteration is predicted to be tolerated by in silico analysis. Based on the available evidence, the clinical significance of this variant remains unclear.

Labcorp Genetics (formerly Invitae), Labcorp
Classification: Uncertain significance. Last evaluated: 2025-01-18. Review status: criteria provided, single submitter. Criteria: Invitae Variant Classification Sherloc (09022015). Collection method: clinical testing. Allele origin: germline.
Comment: This sequence change replaces serine, which is neutral and polar, with phenylalanine, which is neutral and non-polar, at codon 426 of the ANKRD26 protein (p.Ser426Phe). This variant is not present in population databases (gnomAD no frequency). This variant has not been reported in the literature in individuals affected with ANKRD26-related conditions. An algorithm developed to predict the effect of missense changes on protein structure and function (PolyPhen-2) suggests that this variant is likely to be disruptive. In summary, the available evidence is currently insufficient to determine the role of this variant in disease. Therefore, it has been classified as a Variant of Uncertain Significance.

NM_014915.3(ANKRD26):c.1277C>T (p.Ser426Phe)

Gene: ANKRD26 (ankyrin repeat domain 26; minus strand). Cytogenetic location: 10p12.1.
Variant type: single nucleotide variant.
Coding change: c.1277C>T on transcript NM_014915.3 (MANE Select); coding-DNA position 1277, C replaced by T.
Protein change: p.Ser426Phe; replaces serine 426 with phenylalanine.
Molecular consequence: missense variant.
Genome position (GRCh38, 1-based): chr10:27,064,074, G>A on the plus strand (C>T on the coding strand, the complement: ANKRD26 is on the minus strand). VCF-style: chr10-27064074-G-A. GRCh37 (hg19) VCF-style: chr10-27353003-G-A.
Other names: c.1277C>T, p.Ser426Phe (NM_001256053.2); short protein forms S426F.
Identifiers: ClinVar variation 3710225 (VCV003710225.3).